The following is an entry in ClinVar:

ClinVar aggregate classification (germline): Uncertain significance (1 of 4 stars; one submission).

Conditions:
Epilepsy, idiopathic generalized, susceptibility to, 11 (EIG11). Identifiers: Orphanet 307, MedGen C2750893, MONDO:0011875, OMIM 607628.

Submission:

3billion
Classification: Uncertain significance for Epilepsy, idiopathic generalized, susceptibility to, 11. Last evaluated: 2025-10-31. Review status: criteria provided, single submitter. Criteria: ACMG Guidelines, 2015. Collection method: clinical testing. Allele origin: germline. Affected: yes.
Comment: The variant is not observed in the gnomAD v4.1.0 dataset. Predicted Consequence/Location: Missense variant. The majority of the known disease-causing variants of this gene are variants expected to result in premature termination of the protein. Therefore, this variant is classified as VUS according to the recommendation of ACMG/AMP guideline.

NM_004366.6(CLCN2):c.2563G>C (p.Ala855Pro)

Gene: CLCN2 (chloride voltage-gated channel 2; minus strand). Cytogenetic location: 3q27.1.
Variant type: single nucleotide variant.
Coding change: c.2563G>C on transcript NM_004366.6 (MANE Select); coding-DNA position 2563, G replaced by C.
Protein change: p.Ala855Pro; replaces alanine 855 with proline.
Molecular consequence: missense variant.
Genome position (GRCh38, 1-based): chr3:184,346,740, C>G on the plus strand (G>C on the coding strand, the complement: CLCN2 is on the minus strand). VCF-style: chr3-184346740-C-G. GRCh37 (hg19) VCF-style: chr3-184064528-C-G.
Other names: c.2512G>C, p.Ala838Pro (NM_001171087.3); c.2431G>C, p.Ala811Pro (NM_001171088.3); c.2476G>C, p.Ala826Pro (NM_001171089.3); short protein forms A811P, A826P, A838P, A855P.
Identifiers: ClinVar variation 4855626 (VCV004855626.1).